The following is an entry in ClinVar:

NC_000002.12:g.(?_50921849)_(51032054_?)del

Gene: NRXN1 (neurexin 1; minus strand). Cytogenetic location: 2p16.3.
Variant type: Deletion.
Identifiers: ClinVar variation 654673 (VCV000654673.3).

ClinVar aggregate classification (germline): Pathogenic (1 of 4 stars; one submission).

Conditions:
Pitt-Hopkins-like syndrome 2 (PTHSL2). Identifiers: Orphanet 221150, Orphanet 600663, MedGen C3280479, MONDO:0013690, OMIM 614325.

Submission:

Labcorp Genetics (formerly Invitae), Labcorp
Classification: Pathogenic for Pitt-Hopkins-like syndrome 2. Last evaluated: 2022-06-14. Review status: criteria provided, single submitter. Criteria: Invitae Variant Classification Sherloc (09022015). Collection method: clinical testing. Allele origin: germline.
Comment: This variant is a gross deletion of the genomic region encompassing exon(s) 1-6 of the NRXN1 gene, which includes the initiator codon. This deletion extends beyond the assayed region for this gene and therefore may encompass additional genes. It is expected to result in an absent or disrupted protein product. Loss-of-function variants in NRXN1 are known to be pathogenic (PMID: 19896112, 21964664, 23495017, 23533028, 25149956, 30031152). A similar copy number variant has been observed in individual(s) with autism spectrum disorder (PMID: 25661985, 26742492). For these reasons, this variant has been classified as Pathogenic.

Literature cited by the submitters: PubMed 19896112; PubMed 21964664; PubMed 23495017; PubMed 23533028; PubMed 25149956; PubMed 30031152; PubMed 25661985; PubMed 26742492.